The following is an entry in ClinVar:

ClinVar aggregate classification (germline): Uncertain significance. Review status: criteria provided, multiple submitters, no conflicts (2 of 4 stars). 2 submissions from 2 submitters: Uncertain significance (2). Last evaluated 2024-12-03.

Conditions:
Spondyloepimetaphyseal dysplasia, PAPSS2 type. Also called: SEMD, PAKISTANI TYPE; BRACHYOLMIA TYPE 4 WITH MILD EPIPHYSEAL AND METAPHYSEAL CHANGES; SPONDYLODYSPLASIA AND PREMATURE PUBARCHE. Identifiers: Orphanet 93282, MedGen C2748516, MONDO:0019666, OMIM 612847.
Inborn genetic diseases. Identifiers: MedGen C0950123, MeSH D030342.

Allele frequency attached by ClinVar (database versions not stated): ExAC 0.00001; gnomAD exomes 0.00001 and 0.00009; gnomAD 0.00004 and 0.00005; TOPMed 0.00005.
gnomAD v4.1: 132 of 1,612,106 alleles (0.0082%); highest among the groups gnomAD compares: Non-Finnish European, 0.011%; no homozygotes.

Submissions (2):

Ambry Genetics
Classification: Uncertain significance for Inborn genetic diseases. Last evaluated: 2024-12-03. Review status: criteria provided, single submitter. Criteria: Ambry Variant Classification Scheme 2023. Collection method: clinical testing. Allele origin: germline.

Labcorp Genetics (formerly Invitae), Labcorp
Classification: Uncertain significance for Spondyloepimetaphyseal dysplasia, PAPSS2 type. Last evaluated: 2021-11-10. Review status: criteria provided, single submitter. Criteria: Invitae Variant Classification Sherloc (09022015). Collection method: clinical testing. Allele origin: germline.
Comment: In summary, the available evidence is currently insufficient to determine the role of this variant in disease. Therefore, it has been classified as a Variant of Uncertain Significance. Algorithms developed to predict the effect of missense changes on protein structure and function (SIFT, PolyPhen-2, Align-GVGD) all suggest that this variant is likely to be tolerated. This variant has not been reported in the literature in individuals affected with PAPSS2-related conditions. This variant is present in population databases (rs753786042, gnomAD 0.003%). This sequence change replaces lysine, which is basic and polar, with threonine, which is neutral and polar, at codon 588 of the PAPSS2 protein (p.Lys588Thr).

NM_001015880.2(PAPSS2):c.1763A>C (p.Lys588Thr)

Gene: PAPSS2 (3'-phosphoadenosine 5'-phosphosulfate synthase 2; plus strand). Cytogenetic location: 10q23.31.
Variant type: single nucleotide variant.
Coding change: c.1763A>C on transcript NM_001015880.2 (MANE Select); coding-DNA position 1763, A replaced by C.
Protein change: p.Lys588Thr; replaces lysine 588 with threonine.
Molecular consequence: missense variant.
Genome position (GRCh38, 1-based): chr10:87,745,873, A>C. VCF-style: chr10-87745873-A-C. GRCh37 (hg19) VCF-style: chr10-89505630-A-C.
Other names: c.1748A>C (NM_004670.3); c.1748A>C, p.Lys583Thr (NM_004670.4); short protein forms K588T, K583T.
Identifiers: ClinVar variation 1513838 (VCV001513838.7), dbSNP rs753786042, ClinGen allele CA5589847.